The following is an entry in ClinVar:

NM_004462.5(FDFT1):c.198-7T>A

Gene: FDFT1 (farnesyl-diphosphate farnesyltransferase 1). Cytogenetic location: 8p23.1.
Variant type: single nucleotide variant.
Coding change: c.198-7T>A on transcript NM_004462.5 (MANE Select); 7 bases into the intron before coding-DNA position 198, T replaced by A.
Molecular consequence: intron variant.
Genome position (GRCh38, 1-based): chr8:11,809,660, T>A. VCF-style: chr8-11809660-T-A. GRCh37 (hg19) VCF-style: chr8-11667169-T-A.
Other names: c.198-7T>A (NM_001287742.2, NM_001287743.2); c.6-7T>A (NM_001287744.2, NM_001287745.2, NM_001287747.2 and 2 more transcripts); c.64+6750T>A (NM_001287756.2); c.375-7T>A (NM_001287750.2); c.-58-7T>A (NM_001287751.2).
Identifiers: ClinVar variation 3058586 (VCV003058586.2), dbSNP rs2486307146, ClinGen allele CA2740094966.
Genomic context (GRCh38, chr8:11,809,660, plus strand): 5'-GTTATTTTAAAATAAAAAATCTTTGGCTGTTTGTTCCAATATATTAATAGTTTTCCCTTT[T>A]TTACAGCAACGCAGTGTGCATATTTTATCTGGTTCTCCGAGCTCTGGACACACTGGAAGA-3'

ClinVar aggregate classification (germline): Likely benign (0 of 4 stars; one submission).

Conditions:
FDFT1-related disorder. Also called: FDFT1-related condition.

Submission:

PreventionGenetics, part of Exact Sciences
Classification: Likely benign for FDFT1-related condition. Last evaluated: 2019-02-19. Review status: no assertion criteria provided. Collection method: clinical testing. Allele origin: germline.
Comment: This variant is classified as likely benign based on ACMG/AMP sequence variant interpretation guidelines (Richards et al. 2015 PMID: 25741868, with internal and published modifications).